The following is an entry in ClinVar:

NM_002894.3(RBBP8):c.2399G>A (p.Arg800Gln)

Gene: RBBP8 (RB binding protein 8, endonuclease; plus strand). Cytogenetic location: 18q11.2.
Variant type: single nucleotide variant.
Coding change: c.2399G>A on transcript NM_002894.3 (MANE Select); coding-DNA position 2399, G replaced by A.
Protein change: p.Arg800Gln; replaces arginine 800 with glutamine.
Molecular consequence: missense variant. On other transcripts: intron variant (1).
Genome position (GRCh38, 1-based): chr18:23,016,869, G>A. VCF-style: chr18-23016869-G-A. GRCh37 (hg19) VCF-style: chr18-20596832-G-A.
Other names: c.2399G>A, p.Arg800Gln (NM_203291.2); c.2358-5260G>A (NM_203292.2); short protein forms R800Q.
Identifiers: ClinVar variation 2401975 (VCV002401975.3), dbSNP rs759365253, ClinGen allele CA8910345.

ClinVar aggregate classification (germline): Uncertain significance. Review status: criteria provided, multiple submitters, no conflicts (2 of 4 stars). 2 submissions from 2 submitters: Uncertain significance (2). Last evaluated 2025-01-16.

Conditions:
Inborn genetic diseases. Identifiers: MedGen C0950123, MeSH D030342.

Allele frequency attached by ClinVar (database versions not stated): gnomAD exomes 0.00007; TOPMed 0.00008 and 0.00009; gnomAD 0.00003 and 0.00004; ExAC 0.00007.
gnomAD v4.1: 105 of 1,613,604 alleles (0.0065%); highest among the groups gnomAD compares: Middle Eastern, 0.033%; no homozygotes.

Submissions (2):

Labcorp Genetics (formerly Invitae), Labcorp
Classification: Uncertain significance. Last evaluated: 2025-01-16. Review status: criteria provided, single submitter. Criteria: Invitae Variant Classification Sherloc (09022015). Collection method: clinical testing. Allele origin: germline.
Comment: This sequence change replaces arginine, which is basic and polar, with glutamine, which is neutral and polar, at codon 800 of the RBBP8 protein (p.Arg800Gln). This variant is present in population databases (rs759365253, gnomAD 0.009%). This missense change has been observed in individual(s) with neurodevelopmental disorder (PMID: 33057194, 35982159). ClinVar contains an entry for this variant (Variation ID: 2401975). Invitae Evidence Modeling of protein sequence and biophysical properties (such as structural, functional, and spatial information, amino acid conservation, physicochemical variation, residue mobility, and thermodynamic stability) indicates that this missense variant is expected to disrupt RBBP8 protein function with a positive predictive value of 80%. In summary, the available evidence is currently insufficient to determine the role of this variant in disease. Therefore, it has been classified as a Variant of Uncertain Significance.

Ambry Genetics
Classification: Uncertain significance for Inborn genetic diseases. Last evaluated: 2022-09-14. Review status: criteria provided, single submitter. Criteria: Ambry Variant Classification Scheme 2023. Collection method: clinical testing. Allele origin: germline.

Literature cited by the submitters: PubMed 33057194 (cited by Labcorp Genetics (formerly Invitae), Labcorp); PubMed 35982159 (cited by Labcorp Genetics (formerly Invitae), Labcorp).